The following is an entry in ClinVar:

ClinVar aggregate classification (germline): Uncertain significance (1 of 4 stars; one submission).

Submission:

Labcorp Genetics (formerly Invitae), Labcorp
Classification: Uncertain significance. Last evaluated: 2021-08-05. Review status: criteria provided, single submitter. Criteria: Invitae Variant Classification Sherloc (09022015). Collection method: clinical testing. Allele origin: germline.
Comment: This sequence change falls in intron 20 of the MYO18B gene. It does not directly change the encoded amino acid sequence of the MYO18B protein. It affects a nucleotide within the consensus splice site of the intron. This variant is not present in population databases (ExAC no frequency). This variant has not been reported in the literature in individuals affected with MYO18B-related conditions. Variants that disrupt the consensus splice site are a relatively common cause of aberrant splicing (PMID: 17576681, 9536098). Experimental studies and prediction algorithms are not available or were not evaluated, and the effect of this variant on mRNA splicing is currently unknown. In summary, the available evidence is currently insufficient to determine the role of this variant in disease. Therefore, it has been classified as a Variant of Uncertain Significance.

Literature cited by the submitters: PubMed 17576681; PubMed 9536098.

NM_032608.7(MYO18B):c.3776-3T>A

Gene: MYO18B (myosin XVIIIB; plus strand). Cytogenetic location: 22q12.1.
Variant type: single nucleotide variant.
Coding change: c.3776-3T>A on transcript NM_032608.7 (MANE Select); 3 bases into the intron before coding-DNA position 3776, T replaced by A.
Molecular consequence: intron variant.
Genome position (GRCh38, 1-based): chr22:25,851,467, T>A. VCF-style: chr22-25851467-T-A. GRCh37 (hg19) VCF-style: chr22-26247434-T-A.
Other names: c.3779-3T>A (NM_001318245.2).
Identifiers: ClinVar variation 1359177 (VCV001359177.3), dbSNP rs1432923116, ClinGen allele CA2573157899.